The following is an entry in ClinVar:

NM_000091.5(COL4A3):c.619G>C (p.Gly207Arg)

Genes: COL4A3 (collagen type IV alpha 3 chain; plus strand), MFF-DT (MFF divergent transcript; minus strand). Cytogenetic location: 2q36.3.
Variant type: single nucleotide variant.
Coding change: c.619G>C on transcript NM_000091.5 (MANE Select); coding-DNA position 619, G replaced by C.
Protein change: p.Gly207Arg; replaces glycine 207 with arginine.
Molecular consequence: missense variant.
Genome position (GRCh38, 1-based): chr2:227,251,345, G>C. VCF-style: chr2-227251345-G-C. GRCh37 (hg19) VCF-style: chr2-228116061-G-C.
Other names: short protein forms G207R.
Identifiers: ClinVar variation 3376897 (VCV003376897.1).

ClinVar aggregate classification (germline): Likely pathogenic (1 of 4 stars; one submission).

Conditions:
Alport syndrome. Also called: Hemorrhagic familial nephritis; Hemorrhagic hereditary nephritis; Congenital hereditary hematuria. Identifiers: Orphanet 63, MedGen C1567741, MONDO:0018965.

gnomAD v4.1: 1 of 1,613,212 alleles (0.000062%); highest among the groups gnomAD compares: Non-Finnish European, 0.000085%; no homozygotes.

Submission:

Victorian Clinical Genetics Services, Murdoch Childrens Research Institute
Classification: Likely pathogenic for Alport syndrome. Last evaluated: 2022-02-02. Review status: criteria provided, single submitter. Criteria: ACMG Guidelines, 2015. Collection method: clinical testing. Allele origin: germline. Affected: yes.
Comment: Based on the classification scheme VCGS_Germline_v1.3.4, this variant is classified as Likely Pathogenic. Following criteria are met: 0103 - Dominant negative and loss-of-function are known mechanisms of disease in this gene and are associated with COL4A3-related nephropathy. Glycine changes that are part of a G-X-Y repeat in the triple helix of a collagen domain are known to have a dominant negative effect (PMID: 12028435). (I) 0108 - This gene is associated with both recessive (Alport syndrome 2 MIM#203780) and dominant disease (Alport syndrome 3 MIM#104200 and benign familial hematuria MIM#141200) (OMIM). (I) 0200 - Variant is predicted to result in a missense amino acid change from glycine to arginine. (I) 0251 - This variant is heterozygous. (I) 0301 - Variant is absent from gnomAD (both v2 and v3). (SP) 0309 - An alternative amino acid change at the same position has been observed in gnomAD (v2) (1 heterozygote, 0 homozygotes). (I) 0501 - Missense variant consistently predicted to be damaging by multiple in silico tools or highly conserved with a major amino acid change. (SP) 0601 - Variant is located in the well-established glycine position within a G-X-Y triple helical repeat (PDB). (SP) 0705 - No comparable missense variants have previous evidence for pathogenicity. (I) 0807 - This variant has no previous evidence of pathogenicity. (I) 0905 - No published segregation evidence has been identified for this variant. (I) 1007 - No published functional evidence has been identified for this variant. (I) 1101 - Very strong and specific phenotype match for this individual. (I) Legend: (SP) - Supporting pathogenic, (I) - Information, (SB) - Supporting benign

Literature cited by the submitters: PubMed 12028435.